The following is an entry in ClinVar:

ClinVar aggregate classification (germline): Uncertain significance. Review status: criteria provided, multiple submitters, no conflicts (2 of 4 stars). 2 submissions from 2 submitters: Uncertain significance (2). Last evaluated 2024-10-31.

Allele frequency attached by ClinVar (database versions not stated): TOPMed below 0.00001; gnomAD 0.00001; gnomAD exomes 0.00001.
gnomAD v4.1: 11 of 1,614,030 alleles (0.00068%); highest among the groups gnomAD compares: Non-Finnish European, 0.00093%; no homozygotes.

Submissions (2):

Mayo Clinic Laboratories, Mayo Clinic
Classification: Uncertain significance. Last evaluated: 2024-10-31. Review status: criteria provided, single submitter. Criteria: ACMG Guidelines, 2015. Collection method: clinical testing. Allele origin: germline. Observed: 1 variant allele.
Comment: BP4, PM2_supporting

Labcorp Genetics (formerly Invitae), Labcorp
Classification: Uncertain significance. Last evaluated: 2022-07-27. Review status: criteria provided, single submitter. Criteria: Invitae Variant Classification Sherloc (09022015). Collection method: clinical testing. Allele origin: germline.
Comment: This sequence change replaces lysine, which is basic and polar, with glutamine, which is neutral and polar, at codon 238 of the VIPAS39 protein (p.Lys238Gln). This variant is not present in population databases (gnomAD no frequency). This variant has not been reported in the literature in individuals affected with VIPAS39-related conditions. Algorithms developed to predict the effect of missense changes on protein structure and function (SIFT, PolyPhen-2, Align-GVGD) all suggest that this variant is likely to be tolerated. In summary, the available evidence is currently insufficient to determine the role of this variant in disease. Therefore, it has been classified as a Variant of Uncertain Significance.

NM_001193315.2(VIPAS39):c.712A>C (p.Lys238Gln)

Gene: VIPAS39 (VPS33B interacting protein, apical-basolateral polarity regulator, spe-39 homolog; minus strand). Cytogenetic location: 14q24.3.
Variant type: single nucleotide variant.
Coding change: c.712A>C on transcript NM_001193315.2 (MANE Select); coding-DNA position 712, A replaced by C.
Protein change: p.Lys238Gln; replaces lysine 238 with glutamine.
Molecular consequence: missense variant. On other transcripts: non-coding transcript variant (1).
Genome position (GRCh38, 1-based): chr14:77,442,582, T>G on the plus strand (A>C on the coding strand, the complement: VIPAS39 is on the minus strand). VCF-style: chr14-77442582-T-G. GRCh37 (hg19) VCF-style: chr14-77908925-T-G.
Other names: p.Lys238Gln; c.619A>C, p.Lys207Gln (NM_001400333.1, NM_001400334.1); c.712A>C, p.Lys238Gln (NM_001400335.1, NM_001400336.1, NM_001400338.1 and 8 more transcripts); c.472A>C, p.Lys158Gln (NM_001400337.1); c.565A>C, p.Lys189Gln (NM_001193316.2, NM_001400324.1, NM_001400325.1); c.679A>C, p.Lys227Gln (NM_001400327.1); short protein forms K189Q, K227Q, K238Q, K207Q, K158Q.
Identifiers: ClinVar variation 2024224 (VCV002024224.5), dbSNP rs1594909371, ClinGen allele CA390697743.